The following is an entry in ClinVar:

NM_019842.4(KCNQ5):c.1248-3572G>C

Gene: KCNQ5 (potassium voltage-gated channel subfamily Q member 5; plus strand). Cytogenetic location: 6q13.
Variant type: single nucleotide variant.
Coding change: c.1248-3572G>C on transcript NM_019842.4 (MANE Select); 3572 bases into the intron before coding-DNA position 1248, G replaced by C.
Molecular consequence: intron variant. On other transcripts: missense variant (2).
Genome position (GRCh38, 1-based): chr6:73,129,849, G>C. VCF-style: chr6-73129849-G-C. GRCh37 (hg19) VCF-style: chr6-73839572-G-C.
Other names: c.1277G>C, p.Ser426Thr (NM_001160132.2); c.1304G>C, p.Ser435Thr (NM_001160133.2); c.1247+5337G>C (NM_001160134.2); c.1221-3572G>C (NM_001160130.2); short protein forms S426T, S435T.
Identifiers: ClinVar variation 1366033 (VCV001366033.8), dbSNP rs775329502, ClinGen allele CA364827697.

ClinVar aggregate classification (germline): Uncertain significance (1 of 4 stars; one submission).

Submission:

Labcorp Genetics (formerly Invitae), Labcorp
Classification: Uncertain significance. Last evaluated: 2021-12-03. Review status: criteria provided, single submitter. Criteria: Invitae Variant Classification Sherloc (09022015). Collection method: clinical testing. Allele origin: germline.
Comment: In summary, the available evidence is currently insufficient to determine the role of this variant in disease. Therefore, it has been classified as a Variant of Uncertain Significance. This sequence change replaces serine, which is neutral and polar, with threonine, which is neutral and polar, at codon 435 of the KCNQ5 protein (p.Ser435Thr). This variant is not present in population databases (gnomAD no frequency). This variant has not been reported in the literature in individuals affected with KCNQ5-related conditions. Algorithms developed to predict the effect of missense changes on protein structure and function (SIFT, PolyPhen-2, Align-GVGD) all suggest that this variant is likely to be tolerated. Algorithms developed to predict the effect of sequence changes on RNA splicing suggest that this variant may disrupt the consensus splice site.